The following is an entry in ClinVar:

ClinVar aggregate classification (germline): Pathogenic (3 of 4 stars; one submission).

Conditions:
Glanzmann thrombasthenia. Also called: THROMBASTHENIA OF GLANZMANN AND NAEGELI; BLEEDING DISORDER, PLATELET-TYPE, 2; Thrombasthenia; PLATELET GLYCOPROTEIN IIb-IIIa DEFICIENCY; Glanzmann's thrombasthenia. Identifiers: Orphanet 849, MedGen C0040015, MONDO:0100326.

Submission:

ClinGen Platelet Disorders Variant Curation Expert Panel, ClinGen
Classification: Pathogenic for Glanzmann thrombasthenia. Last evaluated: 2021-11-04. Review status: reviewed by expert panel. Criteria: ClinGen Platelet ACMG Specifications v2. Collection method: curation. Allele origin: germline. Inheritance: Autosomal recessive inheritance.
Comment: The NM_000419.5(ITGA2B):c.2444_2445del (p.Tyr815Ter) variant in exon 24 of ITGA2B is a frameshift variant predicted to cause an immediate premature stop codon in biologically-relevant-exon 24/30 and is predicted to lead to nonsense mediated decay (PVS1). GT16 of PMID: 32237906 displayed mucocutaneous bleeding and impaired aggregation with all agonists except ristocetin, which is highly specific for Glanzmann thrombasthenia (PP4_moderate).Additionally, αIIb surface expression was reduced to 0.1%, as measured by flow cytometry. GT16 (PMID: 32237906) is compound heterozygous for c.2444_2445del and Arg977Ter (classified Pathogenic by the PD-VCEP; PM3_supporting). This variant is absent from gnomAD v2.1.1 (PM2_Supporting). In summary, this variant meets the criteria to be classified as Pathogenic for autosomal recessive Glanzmann Thrombasthenia based on the ACMG/AMP criteria applied, as specified by the ClinGen PD VCEP: PVS1, PP4_moderate, PM2_supporting, PM3_supporting. (VCEP specifications version 2; date of approval 11/04/2021)

NM_000419.5(ITGA2B):c.2444_2445del (p.Thr814_Tyr815insTer)

Gene: ITGA2B (integrin subunit alpha 2b; minus strand). Cytogenetic location: 17q21.31.
Variant type: Deletion.
Coding change: c.2444_2445del on transcript NM_000419.5 (MANE Select); coding-DNA positions 2444 to 2445, 2 bases deleted (AT; older notation c.2444_2445delAT).
Protein change: p.Thr814_Tyr815insTer.
Molecular consequence: nonsense.
Genome position (GRCh38, 1-based): chr17:44,376,088-44,376,089, AT deleted on the plus strand (AT on the coding strand, the reverse complement: ITGA2B is on the minus strand); deleting any 2 consecutive bases within chr17:44,376,088-44,376,090 gives the same sequence; the c. name uses the placement nearest the transcript's 3' end. VCF-style (leftmost placement, unchanged base first): chr17-44376087-CAT-C. GRCh37 (hg19) VCF-style: chr17-42453455-CAT-C.
Other names: NM_000419.5:c.2444_2445del.
Identifiers: ClinVar variation 1330319 (VCV001330319.1), dbSNP rs2143439241, ClinGen allele CA923726222.